The following is an entry in ClinVar:

NM_017612.5(ZCCHC8):c.1860A>T (p.Glu620Asp)

Gene: ZCCHC8 (zinc finger CCHC-type containing 8; minus strand). Cytogenetic location: 12q24.31.
Variant type: single nucleotide variant.
Coding change: c.1860A>T on transcript NM_017612.5 (MANE Select); coding-DNA position 1860, A replaced by T.
Protein change: p.Glu620Asp; replaces glutamic acid 620 with aspartic acid.
Molecular consequence: missense variant.
Genome position (GRCh38, 1-based): chr12:122,473,761, T>A on the plus strand (A>T on the coding strand, the complement: ZCCHC8 is on the minus strand). VCF-style: chr12-122473761-T-A. GRCh37 (hg19) VCF-style: chr12-122958308-T-A.
Other names: c.1860A>T (NM_017612.3); c.1629A>T, p.Glu543Asp (NM_001350935.2); c.1563A>T, p.Glu521Asp (NM_001350936.2); c.1146A>T, p.Glu382Asp (NM_001350937.2, NM_001350938.2); short protein forms E382D, E521D, E543D, E620D.
Identifiers: ClinVar variation 1910403 (VCV001910403.6), dbSNP rs779813200, ClinGen allele CA6846079.

ClinVar aggregate classification (germline): Uncertain significance. Review status: criteria provided, multiple submitters, no conflicts (2 of 4 stars). 2 submissions from 2 submitters: Uncertain significance (2). Last evaluated 2025-09-01.

Allele frequency attached by ClinVar (database versions not stated): gnomAD 0.00001; TOPMed 0.00001; ExAC 0.00003.
gnomAD v4.1: 27 of 1,613,424 alleles (0.0017%); highest among the groups gnomAD compares: Middle Eastern, 0.049%; no homozygotes.

Submissions (2):

Ambry Genetics
Classification: Uncertain significance. Last evaluated: 2025-09-01. Review status: criteria provided, single submitter. Criteria: Ambry Variant Classification Scheme 2023. Collection method: clinical testing. Allele origin: germline.

Labcorp Genetics (formerly Invitae), Labcorp
Classification: Uncertain significance. Last evaluated: 2025-03-20. Review status: criteria provided, single submitter. Criteria: Invitae Variant Classification Sherloc (09022015). Collection method: clinical testing. Allele origin: germline.
Comment: This sequence change replaces glutamic acid, which is acidic and polar, with aspartic acid, which is acidic and polar, at codon 620 of the ZCCHC8 protein (p.Glu620Asp). This variant is present in population databases (rs779813200, gnomAD 0.002%). This variant has not been reported in the literature in individuals affected with ZCCHC8-related conditions. ClinVar contains an entry for this variant (Variation ID: 1910403). Invitae Evidence Modeling of protein sequence and biophysical properties (such as structural, functional, and spatial information, amino acid conservation, physicochemical variation, residue mobility, and thermodynamic stability) indicates that this missense variant is not expected to disrupt ZCCHC8 protein function with a negative predictive value of 80%. In summary, the available evidence is currently insufficient to determine the role of this variant in disease. Therefore, it has been classified as a Variant of Uncertain Significance.